The following is an entry in ClinVar:

ClinVar aggregate classification (germline): Uncertain significance (1 of 4 stars; one submission).

Conditions:
Nephrolithiasis/nephrocalcinosis. Identifiers: MedGen CN580796.

Submission:

Ambry Genetics
Classification: Uncertain significance for Nephrolithiasis/nephrocalcinosis. Last evaluated: 2023-01-31. Review status: criteria provided, single submitter. Criteria: Ambry Variant Classification Scheme 2023. Collection method: clinical testing. Allele origin: germline.
Comment: The p.T1006R variant (also known as c.3017C>G), located in coding exon 6 of the CASR gene, results from a C to G substitution at nucleotide position 3017. The threonine at codon 1006 is replaced by arginine, an amino acid with similar properties. This amino acid position is poorly conserved in available vertebrate species. In addition, this alteration is predicted to be tolerated by in silico analysis. Since supporting evidence is limited at this time, the clinical significance of this alteration remains unclear.

NM_000388.4(CASR):c.3017C>G (p.Thr1006Arg)

Gene: CASR (calcium sensing receptor; plus strand). Cytogenetic location: 3q21.1.
Variant type: single nucleotide variant.
Coding change: c.3017C>G on transcript NM_000388.4 (MANE Select); coding-DNA position 3017, C replaced by G.
Protein change: p.Thr1006Arg; replaces threonine 1006 with arginine.
Molecular consequence: missense variant.
Genome position (GRCh38, 1-based): chr3:122,284,971, C>G. VCF-style: chr3-122284971-C-G. GRCh37 (hg19) VCF-style: chr3-122003818-C-G.
Other names: c.3047C>G, p.Thr1016Arg (NM_001178065.2); short protein forms T1006R, T1016R.
Identifiers: ClinVar variation 2447011 (VCV002447011.2), dbSNP rs779634167, ClinGen allele CA354161277.